The following is an entry in ClinVar:

NM_004329.3(BMPR1A):c.*1224A>G

Gene: BMPR1A (bone morphogenetic protein receptor type 1A; plus strand). Cytogenetic location: 10q23.2.
Variant type: single nucleotide variant.
Coding change: c.*1224A>G on transcript NM_004329.3 (MANE Select); 1224 bases downstream of the stop codon, A replaced by G.
Molecular consequence: 3 prime UTR variant.
Genome position (GRCh38, 1-based): chr10:86,924,943, A>G. VCF-style: chr10-86924943-A-G. GRCh37 (hg19) VCF-style: chr10-88684700-A-G.
Identifiers: ClinVar variation 301368 (VCV000301368.5), dbSNP rs557287047, ClinGen allele CA10632719.

ClinVar aggregate classification (germline): Benign (1 of 4 stars; one submission).

Conditions:
Generalized juvenile polyposis/juvenile polyposis coli. Also called: Juvenile polyposis coli. Identifiers: Orphanet 329971, MedGen C1868081, MONDO:0008276.

Allele frequency attached by ClinVar (database versions not stated): TOPMed 0.00010; gnomAD 0.00011 and 0.00013; 1000 Genomes Project 30x 0.00047; 1000 Genomes Project 0.00060.

Submission:

Illumina Laboratory Services, Illumina
Classification: Benign for Juvenile polyposis syndrome. Last evaluated: 2018-01-12. Review status: criteria provided, single submitter. Criteria: ICSL Variant Classification Criteria 13 December 2019. Collection method: clinical testing. Allele origin: germline.
Comment: This variant was observed in the ICSL laboratory as part of a predisposition screen in an ostensibly healthy population. It had not been previously curated by ICSL or reported in the Human Gene Mutation Database (HGMD: prior to June 1st, 2018), and was therefore a candidate for classification through an automated scoring system. Utilizing variant allele frequency, disease prevalence and penetrance estimates, and inheritance mode, an automated score was calculated to assess if this variant is too frequent to cause the disease. Based on the score and internal cut-off values, a variant classified as benign is not then subjected to further curation. The score for this variant resulted in a classification of benign for this disease.